The following is an entry in ClinVar:

NM_003000.3(SDHB):c.66C>T (p.Cys22=)

Genes: SDHB (succinate dehydrogenase complex iron sulfur subunit B; minus strand), LOC129929542 (ATAC-STARR-seq lymphoblastoid active region 277; plus strand). Cytogenetic location: 1p36.13.
Variant type: single nucleotide variant.
Coding change: c.66C>T on transcript NM_003000.3 (MANE Select); coding-DNA position 66, C replaced by T.
Protein change: p.Cys22=; no amino-acid change (cysteine 22 retained).
Molecular consequence: synonymous variant.
Genome position (GRCh38, 1-based): chr1:17,053,954, G>A on the plus strand (C>T on the coding strand, the complement: SDHB is on the minus strand). VCF-style: chr1-17053954-G-A. GRCh37 (hg19) VCF-style: chr1-17380449-G-A.
Identifiers: ClinVar variation 486426 (VCV000486426.17), dbSNP rs772853861, ClinGen allele CA089706.

ClinVar aggregate classification (germline): Benign/Likely benign. Review status: criteria provided, multiple submitters, no conflicts (2 of 4 stars). 4 submissions from 4 submitters: Benign (1); Likely benign (3). Last evaluated 2025-12-31.

Conditions:
Pheochromocytoma/paraganglioma syndrome 4. Also called: SDHB-Related Hereditary Paraganglioma-Pheochromocytoma Syndrome (Paragangliomas 4); PARAGANGLIOMA, FAMILIAL MALIGNANT; PARAGANGLIOMAS, HEREDITARY EXTRAADRENAL; PHEOCHROMOCYTOMA, FAMILIAL EXTRAADRENAL; Paragangliomas 4; CAROTID BODY TUMORS AND MULTIPLE EXTRAADRENAL PHEOCHROMOCYTOMAS. Identifiers: Orphanet 29072, MedGen C1861848, MONDO:0007273, OMIM 115310.
Gastrointestinal stromal tumor. Also called: Gastrointestinal stroma tumor; Gastrointestinal stromal tumor, somatic. Identifiers: Orphanet 44890, MedGen C0238198, MeSH D046152, MONDO:0011719, OMIM 606764, HP:0100723.
Pheochromocytoma. Also called: MAX-Related Hereditary Paraganglioma-Pheochromocytoma Syndrome. Identifiers: Orphanet 29072, MedGen C0031511, MONDO:0008233, OMIM 171300, HP:0002666.
Hereditary cancer-predisposing syndrome. Also called: Tumor predisposition; Hereditary neoplastic syndrome; Hereditary Cancer Syndrome; Neoplastic Syndromes, Hereditary. Identifiers: Orphanet 140162, MedGen C0027672, MeSH D009386, MONDO:0015356.
Hereditary pheochromocytoma and paraganglioma. Also called: Hereditary paragangliomas and pheochromocytomas; Hereditary Paraganglioma-Pheochromocytoma Syndromes; Hereditary pheochromocytoma-paraganglioma. Identifiers: Orphanet 29072, MedGen C4274332, MONDO:0017366.

Allele frequency attached by ClinVar (database versions not stated): gnomAD exomes below 0.00001 and 0.00002; ExAC 0.00002; gnomAD 0.00002; TOPMed 0.00002.
gnomAD v4.1: 10 of 1,612,224 alleles (0.00062%); highest among the groups gnomAD compares: Admixed American, 0.015%; no homozygotes.

Submissions (4):

Labcorp Genetics (formerly Invitae), Labcorp
Classification: Likely benign for Gastrointestinal stromal tumor; Pheochromocytoma/paraganglioma syndrome 4; Pheochromocytoma. Last evaluated: 2025-12-31. Review status: criteria provided, single submitter. Criteria: Invitae Variant Classification Sherloc (09022015). Collection method: clinical testing. Allele origin: germline.

Myriad Genetics, Inc.
Classification: Benign for Pheochromocytoma/paraganglioma syndrome 4. Last evaluated: 2025-03-12. Review status: criteria provided, single submitter. Criteria: Myriad Autosomal Dominant, Autosomal Recessive and X-Linked Classification Criteria (2023). Collection method: clinical testing. Allele origin: unknown.
Comment: This variant is considered benign. This variant is a silent/synonymous amino acid change and it is not expected to impact splicing.

All of Us Research Program, National Institutes of Health
Classification: Likely benign for Hereditary pheochromocytoma and paraganglioma. Last evaluated: 2023-12-13. Review status: criteria provided, single submitter. Criteria: ACMG Guidelines, 2015. Collection method: clinical testing. Allele origin: germline. Inheritance: Autosomal dominant inheritance. Observed: 1 variant allele, 1 heterozygote.
Comment: This study involves interpretation of variants in research participants for the purpose of population health screening. Participant phenotype was not available at the time of variant classification. Additional details can be found in publication PMID: 35346344, PMCID: PMC8962531

Ambry Genetics
Classification: Likely benign for Hereditary cancer-predisposing syndrome. Last evaluated: 2017-07-28. Review status: criteria provided, single submitter. Criteria: Ambry Variant Classification Scheme 2023. Collection method: clinical testing. Allele origin: germline.